The following is an entry in ClinVar:

ClinVar aggregate classification (germline): Benign/Likely benign. Review status: criteria provided, multiple submitters, no conflicts (2 of 4 stars). 5 submissions from 5 submitters: Benign (4); Likely benign (1). Last evaluated 2026-02-01.

Conditions:
Hyperkalemic periodic paralysis. Also called: Familial hyperkalemic periodic paralysis; Gamstorp disease. Identifiers: Orphanet 682, MedGen C0238357, MONDO:0008224, OMIM 170500, HP:0007215.

Submissions (5):

Labcorp Genetics (formerly Invitae), Labcorp
Classification: Benign for Hyperkalemic periodic paralysis. Last evaluated: 2026-02-01. Review status: criteria provided, single submitter. Criteria: Invitae Variant Classification Sherloc (09022015). Collection method: clinical testing. Allele origin: germline.

Blueprint Genetics
Classification: Likely benign. Last evaluated: 2024-11-26. Review status: criteria provided, single submitter. Criteria: ACMG Guidelines, 2015. Collection method: clinical testing. Allele origin: germline.

GeneDx
Classification: Benign. Last evaluated: 2016-12-07. Review status: criteria provided, single submitter. Criteria: GeneDx Variant Classification (06012015). Collection method: clinical testing. Allele origin: germline. Affected: yes.
Comment: This variant is considered likely benign or benign based on one or more of the following criteria: it is a conservative change, it occurs at a poorly conserved position in the protein, it is predicted to be benign by multiple in silico algorithms, and/or has population frequency not consistent with disease.

Eurofins Ntd Llc (ga)
Classification: Benign. Last evaluated: 2016-07-21. Review status: criteria provided, single submitter. Criteria: EGL Classification Definitions 2015. Collection method: clinical testing. Allele origin: germline. Observed: 1 variant allele, 1 heterozygote.

PreventionGenetics, part of Exact Sciences
Classification: Benign. Review status: criteria provided, single submitter. Criteria: ACMG Guidelines, 2015. Collection method: clinical testing. Allele origin: germline.

NM_000334.4(SCN4A):c.612-17del

Gene: SCN4A (sodium voltage-gated channel alpha subunit 4; minus strand). Cytogenetic location: 17q23.3.
Variant type: Deletion.
Coding change: c.612-17del on transcript NM_000334.4 (MANE Select); 17 bases into the intron before coding-DNA position 612, one base deleted (C; older notation c.612-17delC).
Molecular consequence: intron variant.
Genome position (GRCh38, 1-based): chr17:63,971,270, G deleted on the plus strand (C on the coding strand, the reverse complement: SCN4A is on the minus strand); the first of 6 consecutive G bases (chr17:63,971,270-63,971,275); deleting any one gives the same sequence. VCF-style (leftmost placement, unchanged base first): chr17-63971269-AG-A. GRCh37 (hg19) VCF-style: chr17-62048629-AG-A.
Other names: c.612-17delC (NM_000334.4).
Identifiers: ClinVar variation 255860 (VCV000255860.15), dbSNP rs542836462, ClinGen allele CA8710094.
Genomic context (GRCh38, chr17:63,971,269, plus strand): 5'-CTCAGGGCTGAGATGTTGCCCAAGTCCACAAACTCTGTCAGGTACCTGGGTAGGGGGTGG[AG>A]GGGGGTGGGGACTGTCAGAGCCTGGGGTGGGTGGTAGGACAGAAATCAGGGCTCCTCCAG-3'